The following is an entry in ClinVar:

ClinVar aggregate classification (germline): Uncertain significance (1 of 4 stars; one submission).

Conditions:
Nephronophthisis. Also called: Juvenile Nephronophthisis. Identifiers: Orphanet 655, MedGen C0687120, MONDO:0019005, HP:0000090.

Submission:

Labcorp Genetics (formerly Invitae), Labcorp
Classification: Uncertain significance for Nephronophthisis. Last evaluated: 2022-02-20. Review status: criteria provided, single submitter. Criteria: Invitae Variant Classification Sherloc (09022015). Collection method: clinical testing. Allele origin: germline.
Comment: This sequence change replaces phenylalanine, which is neutral and non-polar, with leucine, which is neutral and non-polar, at codon 45 of the NPHP3 protein (p.Phe45Leu). This variant is not present in population databases (gnomAD no frequency). This variant has not been reported in the literature in individuals affected with NPHP3-related conditions. Algorithms developed to predict the effect of missense changes on protein structure and function output the following: SIFT: "Tolerated"; PolyPhen-2: "Benign"; Align-GVGD: "Class C0". The leucine amino acid residue is found in multiple mammalian species, which suggests that this missense change does not adversely affect protein function. In summary, the available evidence is currently insufficient to determine the role of this variant in disease. Therefore, it has been classified as a Variant of Uncertain Significance.

NM_153240.5(NPHP3):c.133T>C (p.Phe45Leu)

Genes: NPHP3 (nephrocystin 3; minus strand), NPHP3-ACAD11 (NPHP3-ACAD11 readthrough (NMD candidate); minus strand), NPHP3-AS1 (NPHP3 antisense RNA 1; plus strand), LOC129937586 (ATAC-STARR-seq lymphoblastoid silent region 14743; plus strand). Cytogenetic location: 3q22.1.
Variant type: single nucleotide variant.
Coding change: c.133T>C on transcript NM_153240.5 (MANE Select); coding-DNA position 133, T replaced by C.
Protein change: p.Phe45Leu; replaces phenylalanine 45 with leucine.
Molecular consequence: missense variant. On other transcripts: non-coding transcript variant (3).
Genome position (GRCh38, 1-based): chr3:132,722,223, A>G on the plus strand (T>C on the coding strand, the complement: NPHP3 is on the minus strand). VCF-style: chr3-132722223-A-G. GRCh37 (hg19) VCF-style: chr3-132441067-A-G.
Other names: short protein forms F45L.
Identifiers: ClinVar variation 2196701 (VCV002196701.1), dbSNP rs2530522532, ClinGen allele CA354589717.